The following is an entry in ClinVar:

ClinVar aggregate classification (germline): Uncertain significance. Review status: criteria provided, multiple submitters, no conflicts (2 of 4 stars). 3 submissions from 3 submitters: Uncertain significance (3). Last evaluated 2025-02-03.

Conditions:
Inborn genetic diseases. Identifiers: MedGen C0950123, MeSH D030342.
Developmental and epileptic encephalopathy, 12 (DEE12). Identifiers: MedGen C3150988, MONDO:0013389, OMIM 613722.

Allele frequency attached by ClinVar (database versions not stated): gnomAD exomes below 0.00001 and 0.00003; ExAC 0.00003; gnomAD 0.00004 and 0.00005; ESP Exome Variant Server 0.00023.
gnomAD v4.1: 12 of 1,614,110 alleles (0.00074%); highest among the groups gnomAD compares: African/African-American, 0.011%; no homozygotes.

Submissions (3):

GeneDx
Classification: Uncertain significance. Last evaluated: 2025-02-03. Review status: criteria provided, single submitter. Criteria: GeneDx Variant Classification Process June 2021. Collection method: clinical testing. Allele origin: germline. Affected: yes.
Comment: In silico analysis indicates that this missense variant does not alter protein structure/function; Has not been previously published as pathogenic or benign to our knowledge

Ambry Genetics
Classification: Uncertain significance for Inborn genetic diseases. Last evaluated: 2024-11-20. Review status: criteria provided, single submitter. Criteria: Ambry Variant Classification Scheme 2023. Collection method: clinical testing. Allele origin: germline.

Labcorp Genetics (formerly Invitae), Labcorp
Classification: Uncertain significance for Developmental and epileptic encephalopathy, 12. Last evaluated: 2022-09-27. Review status: criteria provided, single submitter. Criteria: Invitae Variant Classification Sherloc (09022015). Collection method: clinical testing. Allele origin: germline.
Comment: This sequence change replaces proline, which is neutral and non-polar, with threonine, which is neutral and polar, at codon 119 of the PNKP protein (p.Pro119Thr). This variant is present in population databases (rs376650849, gnomAD 0.04%). This variant has not been reported in the literature in individuals affected with PNKP-related conditions. ClinVar contains an entry for this variant (Variation ID: 1059779). Advanced modeling of protein sequence and biophysical properties (such as structural, functional, and spatial information, amino acid conservation, physicochemical variation, residue mobility, and thermodynamic stability) performed at Invitae indicates that this missense variant is not expected to disrupt PNKP protein function. In summary, the available evidence is currently insufficient to determine the role of this variant in disease. Therefore, it has been classified as a Variant of Uncertain Significance.

NM_007254.4(PNKP):c.355C>A (p.Pro119Thr)

Gene: PNKP (polynucleotide kinase 3'-phosphatase; minus strand). Cytogenetic location: 19q13.33.
Variant type: single nucleotide variant.
Coding change: c.355C>A on transcript NM_007254.4 (MANE Select); coding-DNA position 355, C replaced by A.
Protein change: p.Pro119Thr; replaces proline 119 with threonine.
Molecular consequence: missense variant.
Genome position (GRCh38, 1-based): chr19:49,865,270, G>T on the plus strand (C>A on the coding strand, the complement: PNKP is on the minus strand). VCF-style: chr19-49865270-G-T. GRCh37 (hg19) VCF-style: chr19-50368527-G-T.
Other names: c.355C>A (NM_007254.3, NM_007254.2); short protein forms P119T.
Identifiers: ClinVar variation 1059779 (VCV001059779.6), dbSNP rs376650849, ClinGen allele CA9586966.